The following is an entry in ClinVar:

NM_001292063.2(OTOG):c.6991C>T (p.Pro2331Ser)

Gene: OTOG (otogelin; plus strand). Cytogenetic location: 11p15.1.
Variant type: single nucleotide variant.
Coding change: c.6991C>T on transcript NM_001292063.2 (MANE Select); coding-DNA position 6991, C replaced by T.
Protein change: p.Pro2331Ser; replaces proline 2331 with serine.
Molecular consequence: missense variant.
Genome position (GRCh38, 1-based): chr11:17,632,145, C>T. VCF-style: chr11-17632145-C-T. GRCh37 (hg19) VCF-style: chr11-17653692-C-T.
Other names: c.7027C>T, p.Pro2343Ser (NM_001277269.2); c.7027C>T (NM_001277269.1); short protein forms P2331S, P2343S.
Identifiers: ClinVar variation 2985506 (VCV002985506.4), dbSNP rs1006324874, ClinGen allele CA379810542.

ClinVar aggregate classification (germline): Uncertain significance. Review status: criteria provided, multiple submitters, no conflicts (2 of 4 stars). 2 submissions from 2 submitters: Uncertain significance (2). Last evaluated 2025-12-13.

Conditions:
OTOG-related disorder. Also called: OTOG-related condition.

gnomAD v4.1: 3 of 1,551,038 alleles (0.00019%); highest among the groups gnomAD compares: South Asian, 0.0012%; no homozygotes.

Submissions (2):

PreventionGenetics, part of Exact Sciences
Classification: Uncertain significance for OTOG-related condition. Last evaluated: 2025-12-13. Review status: criteria provided, single submitter. Criteria: ACMG Guidelines, 2015. Collection method: clinical testing. Allele origin: germline.
Comment: The OTOG c.7027C>T variant is predicted to result in the amino acid substitution p.Pro2343Ser. To our knowledge, this variant has not been reported in the literature or population database gnomAD, indicating that this variant is rare. At this time, the clinical significance of this variant is uncertain due to the absence of conclusive functional and genetic evidence.

Labcorp Genetics (formerly Invitae), Labcorp
Classification: Uncertain significance. Last evaluated: 2023-09-09. Review status: criteria provided, single submitter. Criteria: Invitae Variant Classification Sherloc (09022015). Collection method: clinical testing. Allele origin: germline.
Comment: This sequence change replaces proline, which is neutral and non-polar, with serine, which is neutral and polar, at codon 2343 of the OTOG protein (p.Pro2343Ser). This variant is not present in population databases (gnomAD no frequency). This variant has not been reported in the literature in individuals affected with OTOG-related conditions. An algorithm developed to predict the effect of missense changes on protein structure and function (PolyPhen-2) suggests that this variant is likely to be disruptive. In summary, the available evidence is currently insufficient to determine the role of this variant in disease. Therefore, it has been classified as a Variant of Uncertain Significance.